The following is an entry in ClinVar:

NM_016617.4(UFM1):c.59+129C>T

Gene: UFM1 (ubiquitin fold modifier 1; plus strand). Cytogenetic location: 13q13.3.
Variant type: single nucleotide variant.
Coding change: c.59+129C>T on transcript NM_016617.4 (MANE Select); 129 bases into the intron after coding-DNA position 59, C replaced by T.
Molecular consequence: intron variant. On other transcripts: missense variant (1).
Genome position (GRCh38, 1-based): chr13:38,350,184, C>T. VCF-style: chr13-38350184-C-T. GRCh37 (hg19) VCF-style: chr13-38924321-C-T.
Other names: c.70C>T, p.Arg24Cys (NM_001286704.2); c.59+129C>T (NM_001286705.2, NM_001286703.2, NM_001286706.2); short protein forms R24C.
Identifiers: ClinVar variation 4694463 (VCV004694463.1).

ClinVar aggregate classification (germline): Uncertain significance (1 of 4 stars; one submission).

gnomAD v4.1: 19 of 1,613,684 alleles (0.0012%); highest among the groups gnomAD compares: East Asian, 0.0045%; no homozygotes.

Submission:

Labcorp Genetics (formerly Invitae), Labcorp
Classification: Uncertain significance. Last evaluated: 2025-11-12. Review status: criteria provided, single submitter. Criteria: Invitae Variant Classification Sherloc (09022015). Collection method: clinical testing. Allele origin: germline.
Comment: This sequence change replaces arginine, which is basic and polar, with cysteine, which is neutral and slightly polar, at codon 24 of the UFM1 protein (p.Arg24Cys). This variant is present in population databases (rs776932458, gnomAD 0.01%). This variant has not been reported in the literature in individuals affected with UFM1-related conditions. An algorithm developed to predict the effect of missense changes on protein structure and function (PolyPhen-2) suggests that this variant is likely to be disruptive. In summary, the available evidence is currently insufficient to determine the role of this variant in disease. Therefore, it has been classified as a Variant of Uncertain Significance.